The following is an entry in ClinVar:

ClinVar aggregate classification (germline): Uncertain significance (1 of 4 stars; one submission).

Conditions:
Autoimmune lymphoproliferative syndrome type 1. Also called: AUTOIMMUNE LYMPHOPROLIFERATIVE SYNDROME, TYPE I, AUTOSOMAL DOMINANT. Identifiers: Orphanet 3261, MedGen C2717884, MONDO:0011158, OMIM 601859.

Allele frequency attached by ClinVar (database versions not stated): gnomAD 0.00001; gnomAD exomes below 0.00001; TOPMed 0.00001.
gnomAD v4.1: 2 of 1,613,748 alleles (0.00012%); highest among the groups gnomAD compares: Non-Finnish European, 0.00017%; no homozygotes.

Submission:

Labcorp Genetics (formerly Invitae), Labcorp
Classification: Uncertain significance for Autoimmune lymphoproliferative syndrome. Last evaluated: 2025-07-02. Review status: criteria provided, single submitter. Criteria: Invitae Variant Classification Sherloc (09022015). Collection method: clinical testing. Allele origin: germline.
Comment: This sequence change replaces cysteine, which is neutral and slightly polar, with glycine, which is neutral and non-polar, at codon 140 of the FAS protein (p.Cys140Gly). This variant is not present in population databases (gnomAD no frequency). This variant has not been reported in the literature in individuals affected with FAS-related conditions. ClinVar contains an entry for this variant (Variation ID: 2816394). Invitae Evidence Modeling of protein sequence and biophysical properties (such as structural, functional, and spatial information, amino acid conservation, physicochemical variation, residue mobility, and thermodynamic stability) indicates that this missense variant is expected to disrupt FAS protein function with a positive predictive value of 95%. Algorithms developed to predict the effect of sequence changes on RNA splicing suggest that this variant may disrupt the consensus splice site. In summary, the available evidence is currently insufficient to determine the role of this variant in disease. Therefore, it has been classified as a Variant of Uncertain Significance.

NM_000043.6(FAS):c.418T>G (p.Cys140Gly)

Gene: FAS (Fas cell surface death receptor; plus strand). Cytogenetic location: 10q23.31.
Variant type: single nucleotide variant.
Coding change: c.418T>G on transcript NM_000043.6 (MANE Select); coding-DNA position 418, T replaced by G.
Protein change: p.Cys140Gly; replaces cysteine 140 with glycine.
Molecular consequence: missense variant. On other transcripts: non-coding transcript variant (1).
Genome position (GRCh38, 1-based): chr10:89,008,972, T>G. VCF-style: chr10-89008972-T-G. GRCh37 (hg19) VCF-style: chr10-90768729-T-G.
Other names: c.418T>G, p.Cys140Gly (NM_001320619.2, NM_152871.4, NM_152872.4); c.463T>G, p.Cys155Gly (NM_001410956.1); short protein forms C140G, C155G.
Identifiers: ClinVar variation 2816394 (VCV002816394.3), dbSNP rs1161840202, ClinGen allele CA377508780.